The following is an entry in ClinVar:

ClinVar aggregate classification (germline): Uncertain significance (1 of 4 stars; one submission).

Conditions:
Gastrointestinal stromal tumor. Also called: Gastrointestinal stromal tumor, somatic; Gastrointestinal stroma tumor. Identifiers: Orphanet 44890, MedGen C0238198, MeSH D046152, MONDO:0011719, OMIM 606764, HP:0100723.

Submission:

Labcorp Genetics (formerly Invitae), Labcorp
Classification: Uncertain significance for Gastrointestinal stromal tumor. Last evaluated: 2025-01-23. Review status: criteria provided, single submitter. Criteria: Invitae Variant Classification Sherloc (09022015). Collection method: clinical testing. Allele origin: germline.
Comment: This sequence change replaces valine, which is neutral and non-polar, with leucine, which is neutral and non-polar, at codon 540 of the KIT protein (p.Val540Leu). This variant is not present in population databases (gnomAD no frequency). This variant has not been reported in the literature in individuals affected with KIT-related conditions. ClinVar contains an entry for this variant (Variation ID: 1043894). An algorithm developed to predict the effect of missense changes on protein structure and function outputs the following: PolyPhen-2: "Benign". The leucine amino acid residue is found in multiple mammalian species, which suggests that this missense change does not adversely affect protein function. Experimental studies have shown that this missense change affects KIT function (PMID: 20890793). In summary, the available evidence is currently insufficient to determine the role of this variant in disease. Therefore, it has been classified as a Variant of Uncertain Significance.

Literature cited by the submitters: PubMed 20890793.

NM_000222.3(KIT):c.1618G>T (p.Val540Leu)

Gene: KIT (KIT proto-oncogene, receptor tyrosine kinase; plus strand). Cytogenetic location: 4q12.
Variant type: single nucleotide variant.
Coding change: c.1618G>T on transcript NM_000222.3 (MANE Select); coding-DNA position 1618, G replaced by T.
Protein change: p.Val540Leu; replaces valine 540 with leucine.
Molecular consequence: missense variant.
Genome position (GRCh38, 1-based): chr4:54,727,295, G>T. VCF-style: chr4-54727295-G-T. GRCh37 (hg19) VCF-style: chr4-55593461-G-T.
Other names: c.1606G>T, p.Val536Leu (NM_001093772.2, NM_001385286.1); c.1621G>T, p.Val541Leu (NM_001385284.1, NM_001385290.1); c.1618G>T, p.Val540Leu (NM_001385285.1); c.1609G>T, p.Val537Leu (NM_001385288.1, NM_001385292.1); short protein forms V537L, V536L, V541L, V540L.
Identifiers: ClinVar variation 1043894 (VCV001043894.9), dbSNP rs756179543, ClinGen allele CA356907335.